The following is an entry in ClinVar:

NM_000051.4(ATM):c.6530A>C (p.Gln2177Pro)

Genes: ATM (ATM serine/threonine kinase; plus strand), C11orf65 (chromosome 11 open reading frame 65; minus strand). Cytogenetic location: 11q22.3.
Variant type: single nucleotide variant.
Coding change: c.6530A>C on transcript NM_000051.4 (MANE Select); coding-DNA position 6530, A replaced by C.
Protein change: p.Gln2177Pro; replaces glutamine 2177 with proline.
Molecular consequence: missense variant. On other transcripts: intron variant (2).
Genome position (GRCh38, 1-based): chr11:108,321,378, A>C. VCF-style: chr11-108321378-A-C. GRCh37 (hg19) VCF-style: chr11-108192105-A-C.
Other names: NM_000051.4(ATM):c.6530A>C; p.Gln2177Pro; c.6530A>C, p.Gln2177Pro (NM_001351834.2); c.641-12307T>G (NM_001330368.2); c.*39-12307T>G (NM_001351110.2); short protein forms Q2177P.
Identifiers: ClinVar variation 407515 (VCV000407515.13), dbSNP rs1060501573, ClinGen allele CA16613415.

ClinVar aggregate classification (germline): Uncertain significance. Review status: reviewed by expert panel (3 of 4 stars). 4 submissions from 4 submitters: Uncertain significance (1). 3 of the submissions do not count toward it. Last evaluated 2024-01-25.

Conditions:
Familial colorectal cancer type X. Identifiers: Orphanet 440437, MedGen C3896578, MONDO:0018604.
Hereditary cancer-predisposing syndrome. Also called: Neoplastic Syndromes, Hereditary; Hereditary Cancer Syndrome; Tumor predisposition; Hereditary neoplastic syndrome. Identifiers: Orphanet 140162, MedGen C0027672, MeSH D009386, MONDO:0015356.
ATM-related cancer predisposition. Also called: ATM-related cancer susceptibility. Identifiers: MedGen CN377759, MONDO:0700270.
Ataxia-telangiectasia syndrome (AT). Also called: LOUIS-BAR SYNDROME; Cerebello-oculocutaneous telangiectasia; Immunodeficiency with ataxia telangiectasia; Ataxia-telangiectasia, complementation group D; AT, COMPLEMENTATION GROUP C; Ataxia-telangiectasia, complementation group E. Identifiers: Orphanet 100, MedGen C0004135, MONDO:0008840, OMIM 208900.

Submissions (4):

ClinGen Hereditary Breast, Ovarian and Pancreatic Cancer Variant Curation Expert Panel, ClinGen
Classification: Uncertain significance for ATM-related cancer predisposition. Last evaluated: 2024-01-25. Review status: reviewed by expert panel. Criteria: ClinGen HBOP ACMG Specifications ATM V1.2.0. Collection method: curation. Allele origin: germline. Inheritance: Autosomal dominant inheritance.
Comment: The c.6530A>C variant in ATM is a missense variant predicted to cause substitution of glutamine by proline at amino acid 2177 (p.Gln2177Pro). This variant is absent from gnomAD v2.1.1. This variant has been detected in 1 individual with Ataxia-Telangiectasia (PMID: 26896183). The computational predictor, Revel (Score: 0.883) predicts a damaging effect on ATM function. In summary, this variant meets criteria to be classified as a variant of uncertain significance for autosomal dominant hereditary breast cancer and autosomal recessive Ataxia-Telangiectasia based on the ACMG/AMP criteria applied, as specified by the HBOP VCEP. (PM2_supporting, PM3, PP3)

Ambry Genetics
Classification: Uncertain significance for Hereditary cancer-predisposing syndrome. Last evaluated: 2025-07-17. Review status: criteria provided, single submitter. Criteria: Ambry Variant Classification Scheme 2023. Collection method: clinical testing. Allele origin: germline. Not counted in ClinVar's aggregate classification.
Comment: The p.Q2177P variant (also known as c.6530A>C), located in coding exon 44 of the ATM gene, results from an A to C substitution at nucleotide position 6530. The glutamine at codon 2177 is replaced by proline, an amino acid with similar properties. This amino acid position is highly conserved in available vertebrate species. In addition, this alteration is predicted to be deleterious by in silico analysis. Based on the available evidence, the clinical significance of this variant remains unclear.

Labcorp Genetics (formerly Invitae), Labcorp
Classification: Uncertain significance for Ataxia-telangiectasia syndrome. Last evaluated: 2022-08-07. Review status: criteria provided, single submitter. Criteria: Invitae Variant Classification Sherloc (09022015). Collection method: clinical testing. Allele origin: germline. Not counted in ClinVar's aggregate classification.
Comment: This sequence change replaces glutamine, which is neutral and polar, with proline, which is neutral and non-polar, at codon 2177 of the ATM protein (p.Gln2177Pro). In summary, the available evidence is currently insufficient to determine the role of this variant in disease. Therefore, it has been classified as a Variant of Uncertain Significance. Algorithms developed to predict the effect of missense changes on protein structure and function are either unavailable or do not agree on the potential impact of this missense change (SIFT: "Deleterious"; PolyPhen-2: "Probably Damaging"; Align-GVGD: "Class C15"). ClinVar contains an entry for this variant (Variation ID: 407515). This missense change has been observed in individual(s) with ataxia-telangiectasia (PMID: 26896183). This variant is not present in population databases (gnomAD no frequency).

Department of Pathology and Laboratory Medicine, Sinai Health System
Classification: Uncertain significance for Familial colorectal cancer type X. Last evaluated: 2022-06-20. Review status: criteria provided, single submitter. Criteria: ACMG Guidelines, 2015. Collection method: clinical testing. Allele origin: germline. Affected: yes. Not counted in ClinVar's aggregate classification.

Literature cited by the submitters: PubMed 26896183 (cited by Ambry Genetics and Labcorp Genetics (formerly Invitae), Labcorp).